The following is an entry in ClinVar:

NM_006267.5(RANBP2):c.9369+4G>A

Gene: RANBP2 (RAN binding protein 2; plus strand). Cytogenetic location: 2q13.
Variant type: single nucleotide variant.
Coding change: c.9369+4G>A on transcript NM_006267.5 (MANE Select); 4 bases into the intron after coding-DNA position 9369, G replaced by A.
Molecular consequence: intron variant.
Genome position (GRCh38, 1-based): chr2:108,782,866, G>A. VCF-style: chr2-108782866-G-A. GRCh37 (hg19) VCF-style: chr2-109399322-G-A.
Identifiers: ClinVar variation 383038 (VCV000383038.38), dbSNP rs139387463, ClinGen allele CA1824007.
Genomic context (GRCh38, chr2:108,782,866, plus strand): 5'-GGCTTTGGTTTCAAGAATTCCATTTTTCACAGAGTAATTCCAGATTTTGTTTGCCAAGTA[G>A]GTATTATTAAGTACATACCACAATTGAGGTCTTGAAGAGTGCACCACACTAATGGGAAAT-3'

ClinVar aggregate classification (germline): Likely benign. Review status: criteria provided, multiple submitters, no conflicts (2 of 4 stars). 6 submissions from 6 submitters: Likely benign (4). 2 of the submissions do not count toward it. Last evaluated 2026-08-01.

Conditions:
Familial acute necrotizing encephalopathy (IIAE3). Also called: ENCEPHALOPATHY, ACUTE, INFECTION-INDUCED, SUSCEPTIBILITY TO, 3; Susceptibility to Acute Necrotizing Encephalopathy 1. Identifiers: Orphanet 88619, MedGen C2675556, MONDO:0011953, OMIM 608033.

Allele frequency attached by ClinVar (database versions not stated): 1000 Genomes Project 30x 0.00047; 1000 Genomes Project 0.00060; TOPMed 0.00094; gnomAD 0.00108; gnomAD exomes 0.00112 and 0.00185; ESP Exome Variant Server 0.00115; ExAC 0.00119.
gnomAD v4.1: 2,808 of 1,608,308 alleles (0.17%); highest among the groups gnomAD compares: Non-Finnish European, 0.21%; 6 homozygotes.

Submissions (6):

CeGaT Center for Human Genetics Tuebingen
Classification: Likely benign. Last evaluated: 2026-08-01. Review status: criteria provided, single submitter. Criteria: CeGaT Center For Human Genetics Tuebingen Variant Classification Criteria Version 2. Collection method: clinical testing. Allele origin: germline. Affected: yes. Observed: 5 variant alleles.
Comment: RANBP2: BP4, BS1

Labcorp Genetics (formerly Invitae), Labcorp
Classification: Likely benign for Familial acute necrotizing encephalopathy. Last evaluated: 2025-09-29. Review status: criteria provided, single submitter. Criteria: Invitae Variant Classification Sherloc (09022015). Collection method: clinical testing. Allele origin: germline.

Blueprint Genetics
Classification: Likely benign. Last evaluated: 2024-11-23. Review status: criteria provided, single submitter. Criteria: ACMG Guidelines, 2015. Collection method: clinical testing. Allele origin: germline.

GeneDx
Classification: Likely benign. Last evaluated: 2018-03-12. Review status: criteria provided, single submitter. Criteria: GeneDx Variant Classification (06012015). Collection method: clinical testing. Allele origin: germline. Affected: yes.
Comment: This variant is considered likely benign or benign based on one or more of the following criteria: it is a conservative change, it occurs at a poorly conserved position in the protein, it is predicted to be benign by multiple in silico algorithms, and/or has population frequency not consistent with disease.

Clinical Genetics DNA and cytogenetics Diagnostics Lab, Erasmus MC, Erasmus Medical Center
Classification: Likely benign. Review status: no assertion criteria provided. Collection method: clinical testing. Allele origin: germline. Affected: yes. Study: VKGL Data-share Consensus. Not counted in ClinVar's aggregate classification.

Genome Diagnostics Laboratory, University Medical Center Utrecht
Classification: Benign. Review status: no assertion criteria provided. Collection method: clinical testing. Allele origin: germline. Affected: yes. Study: VKGL Data-share Consensus. Not counted in ClinVar's aggregate classification.